The following is an entry in ClinVar:

ClinVar aggregate classification (germline): Likely pathogenic (1 of 4 stars; one submission).

Allele frequency attached by ClinVar (database versions not stated): gnomAD exomes below 0.00001.
gnomAD v4.1: 1 of 1,613,962 alleles (0.000062%); highest among the groups gnomAD compares: Non-Finnish European, 0.000085%; no homozygotes.

Submission:

Labcorp Genetics (formerly Invitae), Labcorp
Classification: Likely pathogenic. Last evaluated: 2022-02-28. Review status: criteria provided, single submitter. Criteria: Invitae Variant Classification Sherloc (09022015). Collection method: clinical testing. Allele origin: germline.
Comment: In summary, the currently available evidence indicates that the variant is pathogenic, but additional data are needed to prove that conclusively. Therefore, this variant has been classified as Likely Pathogenic. Algorithms developed to predict the effect of sequence changes on RNA splicing suggest that this variant may disrupt the consensus splice site. Disruption of this splice site has been observed in individual(s) with congenital nephrotic syndrome (PMID: 20172850). This variant is not present in population databases (gnomAD no frequency). This sequence change affects a donor splice site in intron 21 of the NPHS1 gene. It is expected to disrupt RNA splicing. Variants that disrupt the donor or acceptor splice site typically lead to a loss of protein function (PMID: 16199547), and loss-of-function variants in NPHS1 are known to be pathogenic (PMID: 11317351, 11854170, 12039988).

Literature cited by the submitters: PubMed 20172850; PubMed 16199547; PubMed 11317351; PubMed 11854170; PubMed 12039988.

NM_004646.4(NPHS1):c.2927+1G>T

Gene: NPHS1 (NPHS1 adhesion molecule, nephrin; minus strand). Cytogenetic location: 19q13.12.
Variant type: single nucleotide variant.
Coding change: c.2927+1G>T on transcript NM_004646.4 (MANE Select); the canonical splice donor site of the intron after coding-DNA position 2927, G replaced by T.
Molecular consequence: splice donor variant.
Genome position (GRCh38, 1-based): chr19:35,839,495, C>A on the plus strand (G>T on the coding strand, the complement: NPHS1 is on the minus strand). VCF-style: chr19-35839495-C-A. GRCh37 (hg19) VCF-style: chr19-36330397-C-A.
Identifiers: ClinVar variation 2099670 (VCV002099670.4), dbSNP rs386833930, ClinGen allele CA405385661.